The following is an entry in ClinVar:

ClinVar aggregate classification (germline): Pathogenic/Likely pathogenic. Review status: criteria provided, multiple submitters, no conflicts (2 of 4 stars). 15 submissions from 15 submitters: Pathogenic (12); Likely pathogenic (2). 1 of the submissions does not count toward it. Last evaluated 2026-08-06.

Conditions:
SLC2A1-related disorder. Also called: SLC2A1-related condition; SLC2A1-related disorders.
GLUT1 deficiency syndrome. Also called: Glucose transporter type 1 deficiency syndrome; GLUT1 DS. Identifiers: MedGen C1847501, MONDO:0000188.
Inborn genetic diseases. Identifiers: MedGen C0950123, MeSH D030342.
Hereditary cryohydrocytosis with reduced stomatin. Also called: GLUT1 DEFICIENCY SYNDROME WITH PSEUDOHYPERKALEMIA AND HEMOLYSIS; Stomatin-deficient cryohydrocytosis with neurologic defects. Identifiers: Orphanet 168577, MedGen C1837206, MONDO:0012143, OMIM 608885.
Dystonia 9 (DYT9). Also called: CHOREOATHETOSIS, KINESIGENIC, WITH EPISODIC ATAXIA AND SPASTICITY. Identifiers: Orphanet 53583, MedGen C1832855, MONDO:0010983, OMIM 601042.
Encephalopathy due to GLUT1 deficiency. Also called: De Vivo disease; GLUT1 deficiency syndrome 1; Glucose transporter protein syndrome; GLUT1 deficiency syndrome 1, infantile onset, severe; Classic Glucose Transporter Type 1 Deficiency Syndrome; GLUCOSE TRANSPORT DEFECT, BLOOD-BRAIN BARRIER. Identifiers: Orphanet 71277, MedGen C4551966, MONDO:0011724, OMIM 606777.
Childhood onset GLUT1 deficiency syndrome 2. Also called: GLUT1 deficiency syndrome 2; Paroxysmal exercise-induced dystonia; PAROXYSMAL EXERCISE-INDUCED DYSKINESIA WITH OR WITHOUT EPILEPSY AND/OR HEMOLYTIC ANEMIA; PAROXYSMAL EXERTION-INDUCED DYSTONIA WITH OR WITHOUT EPILEPSY AND/OR HEMOLYTIC ANEMIA; PED WITH OR WITHOUT EPILEPSY AND/OR HEMOLYTIC ANEMIA; PxMD-SLC2A1. Identifiers: Orphanet 98811, MedGen C1842534, MONDO:0012805, OMIM 612126.
Epilepsy, idiopathic generalized, susceptibility to, 12 (EIG12). Identifiers: MedGen C3553859, MONDO:0013919, OMIM 614847.
Epilepsy. Also called: Seizure disorder. Identifiers: MedGen C0014544, MeSH D004827, MONDO:0005027.
GLUT1 deficiency syndrome 1, autosomal recessive. Identifiers: MedGen C3149117.

Submissions (15):

Cytogénomique, Hospices Civils de Lyon
Classification: Pathogenic for Epilepsy. Last evaluated: 2026-08-06. Review status: criteria provided, single submitter. Criteria: ACMG Guidelines, 2015. Collection method: clinical testing. Allele origin: germline. Affected: yes.

Institute of Human Genetics, University of Leipzig Medical Center
Classification: Pathogenic for Encephalopathy due to GLUT1 deficiency. Last evaluated: 2026-07-06. Review status: criteria provided, single submitter. Criteria: ACMG Guidelines, 2015. Collection method: clinical testing. Allele origin: unknown. Inheritance: Autosomal dominant inheritance. Affected: yes.
Comment: Criteria applied: PS2,PS4,PM2,PM5,PS3_SUP,PP2,PP3

Women's Health and Genetics/Laboratory Corporation of America, LabCorp
Classification: Pathogenic for Encephalopathy due to GLUT1 deficiency. Last evaluated: 2025-12-17. Review status: criteria provided, single submitter. Criteria: LabCorp Variant Classification Summary - May 2015. Collection method: clinical testing. Allele origin: germline.
Comment: Variant summary: SLC2A1 c.997C>T (p.Arg333Trp) results in a non-conservative amino acid change in the encoded protein sequence. Algorithms developed to predict the effect of missense changes on protein structure and function all suggest that this variant is likely to be disruptive. The frequency data for this variant in gnomAD is considered unreliable, as metrics indicate poor data quality at this position. c.997C>T has been observed in individuals affected with GLUT1 Deficiency Syndrome 1 (e.g. Wang_2000, Ho_2001, Fujii_2007, Mullen_2011). These data indicate that the variant is likely to be associated with disease. At least one publication reports experimental evidence evaluating an impact on protein function. The most pronounced variant effect results in <10% of normal activity (e.g. Wong_2007). The following publications have been ascertained in the context of this evaluation (PMID: 10980529, 16949238, 11477212, 21555602, 17052934). ClinVar contains an entry for this variant (Variation ID: 198842). Based on the evidence outlined above, the variant was classified as pathogenic.

3billion
Classification: Pathogenic for SLC2A1-related disorder. Last evaluated: 2025-02-11. Review status: criteria provided, single submitter. Criteria: ACMG Guidelines, 2015. Collection method: clinical testing. Allele origin: germline. Affected: yes.
Comment: The variant is not observed in the gnomAD v4.1.0 dataset. Predicted Consequence/Location: Missense variant Functional studies provide strong evidence of the variant having a damaging effect on the gene or gene product (PMID: 17052934). In silico tool predictions suggest damaging effect of the variant on gene or gene product [REVEL: 0.88 (>=0.6, sensitivity 0.68 and specificity 0.92); 3Cnet: 0.99 (>=0.6, sensitivity 0.72 and precision 0.9)]. The same nucleotide change resulting in the same amino acid change has been previously reported as pathogenic/likely pathogenic with strong evidence (ClinVar ID: VCV000198842 /PMID: 10980529). A different missense change at the same codon (p.Arg333Gln) has been reported as pathogenic/likely pathogenic with strong evidence (ClinVar ID: VCV000448897 /PMID: 19630075). Therefore, this variant is classified as Pathogenic according to the recommendation of ACMG/AMP guideline.

Labcorp Genetics (formerly Invitae), Labcorp
Classification: Pathogenic for GLUT1 deficiency syndrome 1, autosomal recessive. Last evaluated: 2023-10-23. Review status: criteria provided, single submitter. Criteria: Invitae Variant Classification Sherloc (09022015). Collection method: clinical testing. Allele origin: germline.
Comment: This sequence change replaces arginine, which is basic and polar, with tryptophan, which is neutral and slightly polar, at codon 333 of the SLC2A1 protein (p.Arg333Trp). This variant is not present in population databases (gnomAD no frequency). This missense change has been observed in individual(s) with glucose transporter type 1 deficiency syndrome (PMID: 10980529, 11477212, 21555602). In at least one individual the variant was observed to be de novo. This variant is also known as c.1176C>T. ClinVar contains an entry for this variant (Variation ID: 198842). Advanced modeling of protein sequence and biophysical properties (such as structural, functional, and spatial information, amino acid conservation, physicochemical variation, residue mobility, and thermodynamic stability) performed at Invitae indicates that this missense variant is expected to disrupt SLC2A1 protein function with a positive predictive value of 95%. This variant disrupts the p.Arg333 amino acid residue in SLC2A1. Other variant(s) that disrupt this residue have been determined to be pathogenic (PMID: 19630075, 20129935, 26193382, 26598494). This suggests that this residue is clinically significant, and that variants that disrupt this residue are likely to be disease-causing. For these reasons, this variant has been classified as Pathogenic.

Institute of Human Genetics Munich, TUM University Hospital
Classification: Pathogenic for Dystonia 9. Last evaluated: 2023-07-07. Review status: criteria provided, single submitter. Criteria: Classification criteria August 2017. Collection method: clinical testing. Allele origin: germline. Inheritance: Autosomal dominant inheritance. Affected: yes. Observed: 1 variant allele.

GeneDx
Classification: Pathogenic. Last evaluated: 2023-04-18. Review status: criteria provided, single submitter. Criteria: GeneDx Variant Classification Process June 2021. Collection method: clinical testing. Allele origin: germline. Affected: yes.
Comment: Published functional studies demonstrate this variant severely reduces Glut1 mediated glucose transport activity (Wong et al., 2007); Not observed in large population cohorts (gnomAD); This variant is associated with the following publications: (PMID: 29778030, 21555602, 21069159, 24847886, 11477212, 10980529, 29892515, 30198221, 29056246, 30824189, 31130284, 32655480, 32025761, 32712428, 34489640, 31069529, 17052934)

Genome-Nilou Lab
Classification: Likely pathogenic for Encephalopathy due to GLUT1 deficiency. Last evaluated: 2023-04-11. Review status: criteria provided, single submitter. Criteria: ACMG Guidelines, 2015. Collection method: clinical testing. Allele origin: germline. Affected: no.

MGZ Medical Genetics Center
Classification: Pathogenic for Childhood onset GLUT1 deficiency syndrome 2. Last evaluated: 2022-06-10. Review status: criteria provided, single submitter. Criteria: ACMG Guidelines, 2015. Collection method: clinical testing. Allele origin: germline. Affected: yes. Observed: 1 variant allele.
Comment: ACMG criteria applied: PS4, PS3_MOD, PM5, PM6, PM2_SUP, PP3

CeGaT Center for Human Genetics Tuebingen
Classification: Pathogenic. Last evaluated: 2021-08-01. Review status: criteria provided, single submitter. Criteria: CeGaT Center For Human Genetics Tuebingen Variant Classification Criteria Version 2. Collection method: clinical testing. Allele origin: germline. Affected: yes. Observed: 1 variant allele.

Fulgent Genetics
Classification: Pathogenic for Dystonia 9; Encephalopathy due to GLUT1 deficiency; Hereditary cryohydrocytosis with reduced stomatin; Childhood onset GLUT1 deficiency syndrome 2; Epilepsy, idiopathic generalized, susceptibility to, 12. Last evaluated: 2018-10-31. Review status: criteria provided, single submitter. Criteria: ACMG Guidelines, 2015. Collection method: clinical testing. Allele origin: unknown.

Ambry Genetics
Classification: Pathogenic for Inborn genetic diseases. Last evaluated: 2016-04-18. Review status: criteria provided, single submitter. Criteria: Ambry Variant Classification Scheme 2023. Collection method: clinical testing. Allele origin: germline.
Comment: The p.R333W pathogenic mutation (also known as c.997C>T), located in coding exon 8 of the SLC2A1 gene, results from a C to T substitution at nucleotide position 997. The arginine at codon 333 is replaced by tryptophan, an amino acid with dissimilar properties. This mutation has been reported in multiple individuals with clinical diagnoses of GLUT1 deficiency syndrome with a spectrum of severity of disease (Ho YY et al. Pediatr Res. 2001 Aug; 50(2):254-60; Fujii T et al. Brain Dev. 2007 Mar; 29(2):92-7; Ramm-Pettersen ;A et al. Dev Med Child Neurol. 2013 May; 55(5):440-7; Ito Y et al. Brain Dev. 2015 Sep; 37(8):780-9); additionally, the mutation was reportedly de novo in some patients (Fung EL et al. Brain Dev. 2011 Feb; 33(2):170-3; Mullen SA et al. Arch Neurol. 2011 Sep; 68(9):1152-5). Functional studies on patient cells and in vitro found this mutation resulted in significantly decreased glucose uptake (Wang D et al. Hum Mutat. 2000 Sep;16(3):224-31; Wong HY et al. Mol Genet Metab. 2007 Feb; 90(2):193-8). Based on the supporting evidence, p.R333W is interpreted as a disease-causing mutation.

Genetic Services Laboratory, University of Chicago
Classification: Likely pathogenic for Encephalopathy due to GLUT1 deficiency. Last evaluated: 2015-11-04. Review status: criteria provided, single submitter. Criteria: ACMG Guidelines, 2015. Collection method: clinical testing. Allele origin: germline. Affected: yes.

Eurofins Ntd Llc (ga)
Classification: Pathogenic. Last evaluated: 2014-08-29. Review status: criteria provided, single submitter. Criteria: EGL Classification Definitions 2015. Collection method: clinical testing. Allele origin: germline. Observed: 1 variant allele, 1 heterozygote.

GeneReviews
No classification provided. Condition: Encephalopathy due to GLUT1 deficiency. Review status: no classification provided. Collection method: literature only. Allele origin: germline. Not counted in ClinVar's aggregate classification.

Literature cited by the submitters: PubMed 16949238 (cited by Women's Health and Genetics/Laboratory Corporation of America, LabCorp and Ambry Genetics); PubMed 11477212 (cited by 3 submitters); PubMed 21555602 (cited by 3 submitters); PubMed 10980529 (cited by 5 submitters); PubMed 17052934 (cited by 4 submitters); PubMed 19630075 (cited by 3billion and Labcorp Genetics (formerly Invitae), Labcorp); PubMed 20129935 (cited by Labcorp Genetics (formerly Invitae), Labcorp); PubMed 26193382 (cited by Labcorp Genetics (formerly Invitae), Labcorp); PubMed 26598494 (cited by Labcorp Genetics (formerly Invitae), Labcorp); PubMed 20417043 (cited by Ambry Genetics); PubMed 23448551 (cited by Ambry Genetics); PubMed 25487684 (cited by Ambry Genetics); PubMed 21069159 (cited by Eurofins Ntd Llc (ga)); NCBI Bookshelf NBK1430 (cited by GeneReviews).

NM_006516.4(SLC2A1):c.997C>T (p.Arg333Trp)

Gene: SLC2A1 (solute carrier family 2 member 1; minus strand). Cytogenetic location: 1p34.2.
Variant type: single nucleotide variant.
Coding change: c.997C>T on transcript NM_006516.4 (MANE Select); coding-DNA position 997, C replaced by T.
Protein change: p.Arg333Trp; replaces arginine 333 with tryptophan.
Molecular consequence: missense variant.
Genome position (GRCh38, 1-based): chr1:42,929,009, G>A on the plus strand (C>T on the coding strand, the complement: SLC2A1 is on the minus strand). VCF-style: chr1-42929009-G-A. GRCh37 (hg19) VCF-style: chr1-43394680-G-A.
Other names: short protein forms R333W.
Identifiers: ClinVar variation 198842 (VCV000198842.66), dbSNP rs80359825, ClinGen allele CA019390.
Genomic context (GRCh38, chr1:42,929,009, plus strand): 5'-TGGTCATGAGTATGGCACAACCCGCCATGCCAGCGAGGCCTATGAGGTGCAGGGTCCGCC[G>A]GCCTGCTCGCTCCACCACAAACAGCTGTGGGCAGAGACAGTGTCAGTGCCACCCCTGCCT-3'
Protein context (NP_006507.2, residues 323-343): VSLFVVERAG[Arg333Trp]RTLHLIGLAG